The following is an entry in ClinVar:

ClinVar aggregate classification (germline): Conflicting classifications of pathogenicity. Review status: criteria provided, conflicting classifications (1 of 4 stars). 3 submissions from 3 submitters: Uncertain significance (1); Likely benign (2). Last evaluated 2026-01-19.

Conditions:
Bartter disease type 2. Also called: HYPERPROSTAGLANDIN E SYNDROME 2; Bartter syndrome, type 2, antenatal; HYPOKALEMIC ALKALOSIS WITH HYPERCALCIURIA 2, ANTENATAL. Identifiers: Orphanet 112, Orphanet 620220, MedGen C1855849, MONDO:0009424, OMIM 241200.

Allele frequency attached by ClinVar (database versions not stated): gnomAD 0.00001 and 0.00010; TOPMed 0.00002; 1000 Genomes Project 30x 0.00016; 1000 Genomes Project 0.00020.
gnomAD v4.1: 223 of 1,614,114 alleles (0.014%); highest among the groups gnomAD compares: South Asian, 0.19%; 3 homozygotes.

Submissions (3):

Labcorp Genetics (formerly Invitae), Labcorp
Classification: Likely benign. Last evaluated: 2026-01-19. Review status: criteria provided, single submitter. Criteria: Invitae Variant Classification Sherloc (09022015). Collection method: clinical testing. Allele origin: germline.

Mayo Clinic Laboratories, Mayo Clinic
Classification: Likely benign. Last evaluated: 2025-11-26. Review status: criteria provided, single submitter. Criteria: ACMG Guidelines, 2015. Collection method: clinical testing. Allele origin: germline. Observed: 1 variant allele.
Comment: BP4, BP5

Illumina Laboratory Services, Illumina
Classification: Uncertain significance for Bartter disease type 2. Last evaluated: 2018-01-12. Review status: criteria provided, single submitter. Criteria: ICSL Variant Classification Criteria 13 December 2019. Collection method: clinical testing. Allele origin: germline.

NM_153766.3(KCNJ1):c.35G>A (p.Arg12His)

Gene: KCNJ1 (potassium inwardly rectifying channel subfamily J member 1; minus strand). Cytogenetic location: 11q24.3.
Variant type: single nucleotide variant.
Coding change: c.35G>A on transcript NM_153766.3 (MANE Select); coding-DNA position 35, G replaced by A.
Protein change: p.Arg12His; replaces arginine 12 with histidine.
Molecular consequence: missense variant.
Genome position (GRCh38, 1-based): chr11:128,840,209, C>T on the plus strand (G>A on the coding strand, the complement: KCNJ1 is on the minus strand). VCF-style: chr11-128840209-C-T. GRCh37 (hg19) VCF-style: chr11-128710104-C-T.
Other names: p.Arg31His; c.92G>A, p.Arg31His (NM_000220.6); c.35G>A, p.Arg12His (NM_153764.3, NM_153767.4); c.86G>A, p.Arg29His (NM_153765.3); c.92G>A (NM_000220.5); short protein forms R12H, R31H, R29H.
Identifiers: ClinVar variation 303576 (VCV000303576.13), dbSNP rs566704910, ClinGen allele CA6357584.